The following is an entry in ClinVar:

ClinVar aggregate classification (germline): Pathogenic. Review status: criteria provided, multiple submitters, no conflicts (2 of 4 stars). 2 submissions from 2 submitters: Pathogenic (2). Last evaluated 2025-09-04.

Conditions:
Autosomal recessive limb-girdle muscular dystrophy type 2L (LGMDR12). Also called: MUSCULAR DYSTROPHY, LIMB-GIRDLE, AUTOSOMAL RECESSIVE 12; Limb-Girdle Muscular Dystrophy R12 Anoctamin-5-Related (LGMD-R12); Limb-girdle muscular dystrophy, type 2L. Identifiers: Orphanet 206549, MedGen C1969785, MONDO:0012652, OMIM 611307.
Gnathodiaphyseal dysplasia (GDD). Also called: GNATHODIAPHYSEAL SCLEROSIS; OSTEOGENESIS IMPERFECTA WITH UNUSUAL SKELETAL LESIONS. Identifiers: Orphanet 53697, MedGen C1833736, MONDO:0008151, OMIM 166260.

Submissions (2):

Labcorp Genetics (formerly Invitae), Labcorp
Classification: Pathogenic for Autosomal recessive limb-girdle muscular dystrophy type 2L; Gnathodiaphyseal dysplasia. Last evaluated: 2025-09-04. Review status: criteria provided, single submitter. Criteria: Invitae Variant Classification Sherloc (09022015). Collection method: clinical testing. Allele origin: germline.
Comment: This sequence change replaces cysteine, which is neutral and slightly polar, with tyrosine, which is neutral and polar, at codon 356 of the ANO5 protein (p.Cys356Tyr). This variant is not present in population databases (gnomAD no frequency). This missense change has been observed in individuals with gnathodiaphyseal dysplasia (PMID: 25866257, 27068316, 27216912, 28176803). ClinVar contains an entry for this variant (Variation ID: 3337803). Invitae Evidence Modeling of protein sequence and biophysical properties (such as structural, functional, and spatial information, amino acid conservation, physicochemical variation, residue mobility, and thermodynamic stability) indicates that this missense variant is expected to disrupt ANO5 protein function with a positive predictive value of 95%. For these reasons, this variant has been classified as Pathogenic.

Clinical Genetics Laboratory, Skane University Hospital Lund
Classification: Pathogenic. Last evaluated: 2023-06-08. Review status: criteria provided, single submitter. Criteria: ACMG Guidelines, 2015. Collection method: clinical testing. Allele origin: germline. Affected: yes.

Literature cited by the submitters: PubMed 25866257 (cited by Labcorp Genetics (formerly Invitae), Labcorp); PubMed 27068316 (cited by Labcorp Genetics (formerly Invitae), Labcorp); PubMed 27216912 (cited by Labcorp Genetics (formerly Invitae), Labcorp); PubMed 28176803 (cited by Labcorp Genetics (formerly Invitae), Labcorp).

NM_213599.3(ANO5):c.1067G>A (p.Cys356Tyr)

Gene: ANO5 (anoctamin 5; plus strand). Cytogenetic location: 11p14.3.
Variant type: single nucleotide variant.
Coding change: c.1067G>A on transcript NM_213599.3 (MANE Select); coding-DNA position 1067, G replaced by A.
Protein change: p.Cys356Tyr; replaces cysteine 356 with tyrosine.
Molecular consequence: missense variant.
Genome position (GRCh38, 1-based): chr11:22,250,794, G>A. VCF-style: chr11-22250794-G-A. GRCh37 (hg19) VCF-style: chr11-22272340-G-A.
Other names: c.1064G>A, p.Cys355Tyr (NM_001142649.2); c.1025G>A, p.Cys342Tyr (NM_001410963.1); c.1022G>A, p.Cys341Tyr (NM_001410964.1); short protein forms C341Y, C342Y, C355Y, C356Y.
Identifiers: ClinVar variation 3337803 (VCV003337803.3).